The following is an entry in ClinVar:

ClinVar aggregate classification (germline): Benign/Likely benign. Review status: criteria provided, single submitter (1 of 4 stars). 2 submissions from 1 submitter: Benign (1); Likely benign (1). Last evaluated 2018-01-12.

Conditions:
Cutis laxa. Identifiers: Orphanet 209, MedGen C0010495, MONDO:0016175, HP:0000973.
Macular degeneration, age-related, 3 (ARMD3). Identifiers: Orphanet 280598, MedGen C1837187, MONDO:0012145, OMIM 608895.

Allele frequency attached by ClinVar (database versions not stated): gnomAD 0.00004 and 0.00046; TOPMed 0.00008; 1000 Genomes Project 0.00200; 1000 Genomes Project 30x 0.00234.
gnomAD v4.1: 1,323 of 1,611,960 alleles (0.082%); highest among the groups gnomAD compares: South Asian, 1.4%; 20 homozygotes.

Submissions (2):

Illumina Laboratory Services, Illumina
Classification: Benign for Cutis laxa. Last evaluated: 2018-01-12. Review status: criteria provided, single submitter. Criteria: ICSL Variant Classification Criteria 13 December 2019. Collection method: clinical testing. Allele origin: germline.
Comment: This variant was observed in the ICSL laboratory as part of a predisposition screen in an ostensibly healthy population. It had not been previously curated by ICSL or reported in the Human Gene Mutation Database (HGMD: prior to June 1st, 2018), and was therefore a candidate for classification through an automated scoring system. Utilizing variant allele frequency, disease prevalence and penetrance estimates, and inheritance mode, an automated score was calculated to assess if this variant is too frequent to cause the disease. Based on the score and internal cut-off values, a variant classified as benign is not then subjected to further curation. The score for this variant resulted in a classification of benign for this disease.

Illumina Laboratory Services, Illumina
Classification: Likely benign for Macular degeneration, age-related, 3. Last evaluated: 2018-01-12. Review status: criteria provided, single submitter. Criteria: ICSL Variant Classification Criteria 13 December 2019. Collection method: clinical testing. Allele origin: germline.
Comment: This variant was observed in the ICSL laboratory as part of a predisposition screen in an ostensibly healthy population. It had not been previously curated by ICSL or reported in the Human Gene Mutation Database (HGMD: prior to June 1st, 2018), and was therefore a candidate for classification through an automated scoring system. Utilizing variant allele frequency, disease prevalence and penetrance estimates, and inheritance mode, an automated score was calculated to assess if this variant is too frequent to cause the disease. Based on the score and internal cut-off values, a variant classified as likely benign is not then subjected to further curation. The score for this variant resulted in a classification of likely benign for this disease.

NM_006329.4(FBLN5):c.-57G>A

Gene: FBLN5 (fibulin 5; minus strand). Cytogenetic location: 14q32.12.
Variant type: single nucleotide variant.
Coding change: c.-57G>A on transcript NM_006329.4 (MANE Select); 57 bases upstream of the start codon, G replaced by A.
Molecular consequence: 5 prime UTR variant.
Genome position (GRCh38, 1-based): chr14:91,947,286, C>T on the plus strand (G>A on the coding strand, the complement: FBLN5 is on the minus strand). VCF-style: chr14-91947286-C-T. GRCh37 (hg19) VCF-style: chr14-92413630-C-T.
Other names: c.-57G>A (NM_001384158.1, NM_001384160.1); c.-326G>A (NM_001384161.1, NM_001384162.1).
Identifiers: ClinVar variation 314883 (VCV000314883.5), dbSNP rs546827390, ClinGen allele CA10641287.